The following is an entry in ClinVar:

ClinVar aggregate classification (germline): Uncertain significance. Review status: criteria provided, multiple submitters, no conflicts (2 of 4 stars). 2 submissions from 2 submitters: Uncertain significance (2). Last evaluated 2024-08-08.

Conditions:
Breast-ovarian cancer, familial, susceptibility to, 4. Identifiers: Orphanet 145, MedGen C3280345, MONDO:0013669, OMIM 614291.
Hereditary cancer-predisposing syndrome. Also called: Neoplastic Syndromes, Hereditary; Tumor predisposition; Hereditary Cancer Syndrome; Hereditary neoplastic syndrome. Identifiers: Orphanet 140162, MedGen C0027672, MeSH D009386, MONDO:0015356.

Allele frequency attached by ClinVar (database versions not stated): gnomAD exomes below 0.00001.

Submissions (2):

Ambry Genetics
Classification: Uncertain significance for Hereditary cancer-predisposing syndrome. Last evaluated: 2024-08-08. Review status: criteria provided, single submitter. Criteria: Ambry Variant Classification Scheme 2023. Collection method: clinical testing. Allele origin: germline.
Comment: The p.Y134H variant (also known as c.400T>C), located in coding exon 5 of the RAD51D gene, results from a T to C substitution at nucleotide position 400. The tyrosine at codon 134 is replaced by histidine, an amino acid with similar properties. This amino acid position is conserved. In addition, this alteration is predicted to be deleterious by in silico analysis. Based on the available evidence, the clinical significance of this variant remains unclear.

Baylor Genetics
Classification: Uncertain significance for Breast-ovarian cancer, familial, susceptibility to, 4. Last evaluated: 2023-09-17. Review status: criteria provided, single submitter. Criteria: ACMG Guidelines, 2015. Collection method: clinical testing. Allele origin: unknown.

NM_002878.4(RAD51D):c.400T>C (p.Tyr134His)

Genes: RAD51D (RAD51 paralog D; minus strand), RAD51L3-RFFL (RAD51L3-RFFL readthrough; minus strand). Cytogenetic location: 17q12.
Variant type: single nucleotide variant.
Coding change: c.400T>C on transcript NM_002878.4 (MANE Select); coding-DNA position 400, T replaced by C.
Protein change: p.Tyr134His; replaces tyrosine 134 with histidine.
Molecular consequence: missense variant. On other transcripts: non-coding transcript variant (1), intron variant (1).
Genome position (GRCh38, 1-based): chr17:35,107,068, A>G on the plus strand (T>C on the coding strand, the complement: RAD51D is on the minus strand). VCF-style: chr17-35107068-A-G. GRCh37 (hg19) VCF-style: chr17-33434087-A-G.
Other names: c.460T>C, p.Tyr154His (NM_001142571.2); c.145-587T>C (NM_133629.3); short protein forms Y134H, Y154H.
Identifiers: ClinVar variation 2678180 (VCV002678180.2), dbSNP rs2142433261, ClinGen allele CA399089300.